The following is an entry in ClinVar:

ClinVar aggregate classification (germline): Uncertain significance. Review status: criteria provided, multiple submitters, no conflicts (2 of 4 stars). 2 submissions from 2 submitters: Uncertain significance (2). Last evaluated 2025-03-02.

Conditions:
Tumor predisposition syndrome 3 (TPDS3). Also called: Melanoma, cutaneous malignant, susceptibility to, 10; Glioma susceptibility 9; LONG TELOMERE SYNDROME, POT1-RELATED; POT1 Tumor Predisposition. Identifiers: Orphanet 618, MedGen C4014476, MONDO:0014368, OMIM 615848.
Hereditary cancer-predisposing syndrome. Also called: Hereditary Cancer Syndrome; Hereditary neoplastic syndrome; Neoplastic Syndromes, Hereditary; Tumor predisposition. Identifiers: Orphanet 140162, MedGen C0027672, MeSH D009386, MONDO:0015356.

Submissions (2):

Labcorp Genetics (formerly Invitae), Labcorp
Classification: Uncertain significance for Tumor predisposition syndrome 3. Last evaluated: 2025-03-02. Review status: criteria provided, single submitter. Criteria: Invitae Variant Classification Sherloc (09022015). Collection method: clinical testing. Allele origin: germline.
Comment: This sequence change replaces glutamine, which is neutral and polar, with arginine, which is basic and polar, at codon 301 of the POT1 protein (p.Gln301Arg). This variant is not present in population databases (gnomAD no frequency). This variant has not been reported in the literature in individuals affected with POT1-related conditions. ClinVar contains an entry for this variant (Variation ID: 1765522). Invitae Evidence Modeling of protein sequence and biophysical properties (such as structural, functional, and spatial information, amino acid conservation, physicochemical variation, residue mobility, and thermodynamic stability) indicates that this missense variant is not expected to disrupt POT1 protein function with a negative predictive value of 80%. In summary, the available evidence is currently insufficient to determine the role of this variant in disease. Therefore, it has been classified as a Variant of Uncertain Significance.

Ambry Genetics
Classification: Uncertain significance for Hereditary cancer-predisposing syndrome. Last evaluated: 2020-04-10. Review status: criteria provided, single submitter. Criteria: Ambry Variant Classification Scheme 2023. Collection method: clinical testing. Allele origin: germline.
Comment: The p.Q301R variant (also known as c.902A>G), located in coding exon 7 of the POT1 gene, results from an A to G substitution at nucleotide position 902. The glutamine at codon 301 is replaced by arginine, an amino acid with highly similar properties. This amino acid position is well conserved in available vertebrate species. In addition, this alteration is predicted to be tolerated by in silico analysis. Since supporting evidence is limited at this time, the clinical significance of this alteration remains unclear. Since supporting evidence is limited at this time, the clinical significance of this alteration remains unclear.

NM_015450.3(POT1):c.902A>G (p.Gln301Arg)

Gene: POT1 (protection of telomeres 1; minus strand). Cytogenetic location: 7q31.33.
Variant type: single nucleotide variant.
Coding change: c.902A>G on transcript NM_015450.3 (MANE Select); coding-DNA position 902, A replaced by G.
Protein change: p.Gln301Arg; replaces glutamine 301 with arginine.
Molecular consequence: missense variant. On other transcripts: non-coding transcript variant (3).
Genome position (GRCh38, 1-based): chr7:124,851,919, T>C on the plus strand (A>G on the coding strand, the complement: POT1 is on the minus strand). VCF-style: chr7-124851919-T-C. GRCh37 (hg19) VCF-style: chr7-124491973-T-C.
Other names: c.509A>G, p.Gln170Arg (NM_001042594.2); short protein forms Q170R, Q301R.
Identifiers: ClinVar variation 1765522 (VCV001765522.3), dbSNP rs2485437130, ClinGen allele CA369054422.